The following is an entry in ClinVar:

ClinVar aggregate classification (germline): Conflicting classifications of pathogenicity. Review status: criteria provided, conflicting classifications (1 of 4 stars). 2 submissions from 2 submitters: Pathogenic (1); Uncertain significance (1). Last evaluated 2024-12-21.

Submissions (2):

GeneDx
Classification: Pathogenic. Last evaluated: 2024-12-21. Review status: criteria provided, single submitter. Criteria: GeneDx Variant Classification Process June 2021. Collection method: clinical testing. Allele origin: germline. Affected: yes.
Comment: In silico analysis supports that this missense variant has a deleterious effect on protein structure/function; Not observed at significant frequency in large population cohorts (gnomAD); Has not been previously published as pathogenic or benign to our knowledge

Labcorp Genetics (formerly Invitae), Labcorp
Classification: Uncertain significance. Last evaluated: 2023-07-07. Review status: criteria provided, single submitter. Criteria: Invitae Variant Classification Sherloc (09022015). Collection method: clinical testing. Allele origin: germline.
Comment: This variant is not present in population databases (gnomAD no frequency). In summary, the available evidence is currently insufficient to determine the role of this variant in disease. Therefore, it has been classified as a Variant of Uncertain Significance. Advanced modeling of protein sequence and biophysical properties (such as structural, functional, and spatial information, amino acid conservation, physicochemical variation, residue mobility, and thermodynamic stability) performed at Invitae indicates that this missense variant is expected to disrupt CDK13 protein function. ClinVar contains an entry for this variant (Variation ID: 2016170). This variant has not been reported in the literature in individuals affected with CDK13-related conditions. This sequence change replaces arginine, which is basic and polar, with glycine, which is neutral and non-polar, at codon 860 of the CDK13 protein (p.Arg860Gly).

NM_003718.5(CDK13):c.2578C>G (p.Arg860Gly)

Gene: CDK13 (cyclin dependent kinase 13; plus strand). Cytogenetic location: 7p14.1.
Variant type: single nucleotide variant.
Coding change: c.2578C>G on transcript NM_003718.5 (MANE Select); coding-DNA position 2578, C replaced by G.
Protein change: p.Arg860Gly; replaces arginine 860 with glycine.
Molecular consequence: missense variant.
Genome position (GRCh38, 1-based): chr7:40,047,855, C>G. VCF-style: chr7-40047855-C-G. GRCh37 (hg19) VCF-style: chr7-40087454-C-G.
Other names: c.2578C>G, p.Arg860Gly (NM_031267.4); short protein forms R860G.
Identifiers: ClinVar variation 2016170 (VCV002016170.5), dbSNP rs775898119, ClinGen allele CA367280882.